The following is an entry in ClinVar:

ClinVar aggregate classification (germline): Pathogenic/Likely pathogenic. Review status: criteria provided, multiple submitters, no conflicts (2 of 4 stars). 9 submissions from 9 submitters: Pathogenic (4); Likely pathogenic (4). 1 of the submissions does not count toward it. Last evaluated 2025-09-10.

Conditions:
FDXR-related disorder. Also called: FDXR-related condition; FDXR-related disorders.
Hearing problem. Also called: Hearing disorder. Identifiers: MedGen C0260662, MONDO:0021945.
Auditory neuropathy-optic atrophy syndrome. Also called: MULTIPLE MITOCHONDRIAL DYSFUNCTIONS SYNDROME 9A; AUDITORY NEUROPATHY AND OPTIC ATROPHY. Identifiers: Orphanet 542585, MedGen C4521678, MONDO:0060582, OMIM 617717.
Inborn genetic diseases. Identifiers: MedGen C0950123, MeSH D030342.

Allele frequency attached by ClinVar (database versions not stated): ExAC 0.00001; gnomAD exomes 0.00003 and 0.00004; gnomAD 0.00004 and 0.00005; TOPMed 0.00004.

Submissions (9):

PreventionGenetics, part of Exact Sciences
Classification: Pathogenic for FDXR-related condition. Last evaluated: 2025-09-10. Review status: criteria provided, single submitter. Criteria: ACMG Guidelines, 2015. Collection method: clinical testing. Allele origin: germline.
Comment: The FDXR c.916C>T variant is predicted to result in the amino acid substitution p.Arg306Cys. This variant was reported, in the homozygous state or in the heterozygous state with a second possible causative variant, in multiple individuals with auditory neuropathy and optic atrophy (Paul et al. 2017. PubMed ID: 28965846; Jurkute et al. 2021. PubMed ID: 33938912; Wei et al. 2023. PubMed ID: 37481223). This variant is reported in 0.0087% of alleles in individuals of Latino descent in gnomAD. This variant is interpreted as pathogenic.

3billion
Classification: Pathogenic for FDXR-related disorder. Last evaluated: 2025-06-08. Review status: criteria provided, single submitter. Criteria: ACMG Guidelines, 2015. Collection method: clinical testing. Allele origin: germline. Affected: yes.
Comment: The variant is observed at an extremely low frequency in the gnomAD v4.1.0 dataset (total allele frequency: 0.004%). Predicted Consequence/Location: Missense variant Functional studies provide strong evidence of the variant having a damaging effect on the gene or gene product (PMID: 28965846, 33348459). In silico tool predictions suggest damaging effect of the variant on gene or gene product [3Cnet: 0.88 (> 0.75, sensitivity 0.96 and precision 0.92)]. The same nucleotide change resulting in the same amino acid change has been previously reported as pathogenic/likely pathogenic with strong evidence (ClinVar ID: VCV000441237 /PMID: 28965846 /3billion dataset). The variant has been reported to be in trans with a pathogenic variant as either compound heterozygous or homozygous in at least one similarly affected unrelated individual (PMID: 28965846). A different missense change at the same codon (p.Arg306His) has been reported to be associated with FDXR-related disorder (PMID: 37107710). Therefore, this variant is classified as Pathogenic according to the recommendation of ACMG/AMP guideline.

Laboratorio de Genetica e Diagnostico Molecular, Hospital Israelita Albert Einstein
Classification: Likely pathogenic for Auditory neuropathy-optic atrophy syndrome. Last evaluated: 2024-08-13. Review status: criteria provided, single submitter. Criteria: ACMG Guidelines, 2015. Collection method: clinical testing. Allele origin: germline. Affected: yes.
Comment: ACMG classification criteria: PS3 supporting, PM2 supporting, PM3 strong, PP1 supporting, BP4 supporting

Blueprint Genetics
Classification: Pathogenic for FDXR-related disorders. Last evaluated: 2024-01-19. Review status: criteria provided, single submitter. Criteria: ACMG Guidelines, 2015. Collection method: clinical testing. Allele origin: germline. Affected: yes. Observed: 3 variant alleles.

GeneDx
Classification: Likely pathogenic. Last evaluated: 2023-09-01. Review status: criteria provided, single submitter. Criteria: GeneDx Variant Classification Process June 2021. Collection method: clinical testing. Allele origin: germline. Affected: yes.
Comment: Not observed at significant frequency in large population cohorts (gnomAD); In silico analysis supports that this missense variant has a deleterious effect on protein structure/function; This variant is associated with the following publications: (PMID: 28965846, 33348459, 33938912)

Ambry Genetics
Classification: Likely pathogenic for Inborn genetic diseases. Last evaluated: 2022-09-06. Review status: criteria provided, single submitter. Criteria: Ambry Variant Classification Scheme 2023. Collection method: clinical testing. Allele origin: germline.
Comment: The c.934C>T (p.R312C) alteration is located in exon 9 (coding exon 9) of the FDXR gene. This alteration results from a C to T substitution at nucleotide position 934, causing the arginine (R) at amino acid position 312 to be replaced by a cysteine (C). Based on data from gnomAD, the T allele has an overall frequency of <0.01% (7/241968) total alleles studied. The highest observed frequency was 0.01% (3/34332) of Latino alleles. In addition, this alteration was detected in the homozygous state and segregated with disease among multiple individuals in one family who had clinical features consistent with FDXR-related mitochondrial encephalomyopathy (Paul, 2017). This amino acid position is well conserved in available vertebrate species. Functional assays in patient fibroblasts show aberrant ferredoxin reductase levels, respiratory chain enzyme activity, and iron uptake (Paul, 2017). The in silico prediction for this alteration is inconclusive. Based on the available evidence, this alteration is classified as likely pathogenic.

AURAGEN, Plan France Médecine Génomique
Classification: Pathogenic for Hearing problem. Last evaluated: 2021-10-21. Review status: criteria provided, single submitter. Criteria: PFMG2025 (Lancet Reg Health Eur. 2025). Collection method: clinical testing. Allele origin: germline. Affected: yes.

Laboratory for Molecular Medicine, Mass General Brigham Personalized Medicine
Classification: Likely pathogenic for Auditory neuropathy-optic atrophy syndrome. Last evaluated: 2018-12-26. Review status: criteria provided, single submitter. Criteria: LMM Criteria. Collection method: clinical testing. Allele origin: germline. Inheritance: Autosomal recessive inheritance. Observed: 1 variant allele.
Comment: The p.Arg337Cys variant in FDXR (also known as p.Arg306Cys) has been reported in 1 homozygous individual and 1 compound heterozygous individual with auditory n europathy and optic atrophy (Paul 2017). The variant segregated with disease in 3 relatives (Paul 2017). In vivo functional studies in yeast provide some eviden ce that the p.Arg337Cys variant may impact protein function (Paul 2017). However , these types of assays may not accurately represent biological function. This v ariant has been identified in 3/34332 Latino and 4/107544 European chromosomes b y the Genome Aggregation Database (gnomAD). Co mputational prediction tools and conservation analysis do not provide strong sup port for or against an impact to the protein. In summary, although additional st udies are required to fully establish its clinical significance, the p.Arg337Cys variant is likely pathogenic. ACMG/AMP criteria applied: PP1_Strong, PM2, PM3, PS3_Supporting.

OMIM
Classification: Pathogenic for AUDITORY NEUROPATHY AND OPTIC ATROPHY. Last evaluated: 2017-10-12. Review status: no assertion criteria provided. Collection method: literature only. Allele origin: germline. Not counted in ClinVar's aggregate classification.

Literature cited by the submitters: PubMed 28965846 (cited by 4 submitters); PubMed 33348459 (cited by 3billion); PubMed 37107710 (cited by 3billion).

NM_024417.5(FDXR):c.916C>T (p.Arg306Cys)

Gene: FDXR (ferredoxin reductase; minus strand). Cytogenetic location: 17q25.1.
Variant type: single nucleotide variant.
Coding change: c.916C>T on transcript NM_024417.5 (MANE Select); coding-DNA position 916, C replaced by T.
Protein change: p.Arg306Cys; replaces arginine 306 with cysteine.
Molecular consequence: missense variant. On other transcripts: non-coding transcript variant (1).
Genome position (GRCh38, 1-based): chr17:74,864,234, G>A on the plus strand (C>T on the coding strand, the complement: FDXR is on the minus strand). VCF-style: chr17-74864234-G-A. GRCh37 (hg19) VCF-style: chr17-72860356-G-A.
Other names: c.1045C>T, p.Arg349Cys (NM_001258012.4); c.1009C>T, p.Arg337Cys (NM_001258013.4); c.892C>T, p.Arg298Cys (NM_001258014.4); c.796C>T, p.Arg266Cys (NM_001258015.3); c.760C>T, p.Arg254Cys (NM_001258016.3); c.934C>T, p.Arg312Cys (NM_004110.6); c.934C>T (NM_004110.3); short protein forms R306C, R349C, R254C, R266C, R298C, R312C, R337C.
Identifiers: ClinVar variation 441237 (VCV000441237.14), dbSNP rs752143061, ClinGen allele CA8752982.